The following is an entry in ClinVar:

NM_001080.3(ALDH5A1):c.341A>C (p.Glu114Ala)

Genes: ALDH5A1 (aldehyde dehydrogenase 5 family member A1; plus strand), LOC129995978 (ATAC-STARR-seq lymphoblastoid silent region 16989; plus strand). Cytogenetic location: 6p22.3.
Variant type: single nucleotide variant.
Coding change: c.341A>C on transcript NM_001080.3 (MANE Select); coding-DNA position 341, A replaced by C.
Protein change: p.Glu114Ala; replaces glutamic acid 114 with alanine.
Molecular consequence: missense variant.
Genome position (GRCh38, 1-based): chr6:24,495,337, A>C. VCF-style: chr6-24495337-A-C. GRCh37 (hg19) VCF-style: chr6-24495565-A-C.
Other names: c.341A>C, p.Glu114Ala (NM_001368954.1, NM_170740.1); short protein forms E114A.
Identifiers: ClinVar variation 2191510 (VCV002191510.4), dbSNP rs1370936799, ClinGen allele CA362968723.
Genomic context (GRCh38, chr6:24,495,337, plus strand): 5'-GGGTGCGAGAGGCCCGCGCCGCCGTGCGCGCTGCCTACGAGGCTTTCTGCCGCTGGAGGG[A>C]GGTCTCCGCCAAGGTGAGAGAGCCCGGATGCAGGGGGCCAGAGCTGGCCGGGGACACGGC-3'
Protein context (NP_001071.1, residues 104-124): AAYEAFCRWR[Glu114Ala]VSAKERSSLL

ClinVar aggregate classification (germline): Uncertain significance. Review status: criteria provided, multiple submitters, no conflicts (2 of 4 stars). 2 submissions from 2 submitters: Uncertain significance (2). Last evaluated 2022-08-09.

Conditions:
Succinate-semialdehyde dehydrogenase deficiency (SSADHD). Also called: SSADH DEFICIENCY; 4-HYDROXYBUTYRIC ACIDURIA; GABA METABOLIC DEFECT; Succinic Semialdehyde Dehydrogenase Deficiency. Identifiers: Orphanet 22, MedGen C0268631, MONDO:0010083, OMIM 271980.

Allele frequency attached by ClinVar (database versions not stated): TOPMed below 0.00001.
gnomAD v4.1: 1 of 1,532,650 alleles (0.000065%); no homozygotes.

Submissions (2):

Labcorp Genetics (formerly Invitae), Labcorp
Classification: Uncertain significance for Succinate-semialdehyde dehydrogenase deficiency. Last evaluated: 2022-08-09. Review status: criteria provided, single submitter. Criteria: Invitae Variant Classification Sherloc (09022015). Collection method: clinical testing. Allele origin: germline.
Comment: This sequence change replaces glutamic acid, which is acidic and polar, with alanine, which is neutral and non-polar, at codon 114 of the ALDH5A1 protein (p.Glu114Ala). This variant is not present in population databases (gnomAD no frequency). This variant has not been reported in the literature in individuals affected with ALDH5A1-related conditions. Advanced modeling of protein sequence and biophysical properties (such as structural, functional, and spatial information, amino acid conservation, physicochemical variation, residue mobility, and thermodynamic stability) performed at Invitae indicates that this missense variant is not expected to disrupt ALDH5A1 protein function. In summary, the available evidence is currently insufficient to determine the role of this variant in disease. Therefore, it has been classified as a Variant of Uncertain Significance.

Revvity Omics, Revvity
Classification: Uncertain significance for Succinate-semialdehyde dehydrogenase deficiency. Last evaluated: 2021-01-20. Review status: criteria provided, single submitter. Criteria: ACMG Guidelines, 2015. Collection method: clinical testing. Allele origin: germline.